The following is an entry in ClinVar:

NM_032120.4(RBM48):c.865G>C (p.Glu289Gln)

Gene: RBM48 (RNA binding motif protein 48; plus strand). Cytogenetic location: 7q21.2.
Variant type: single nucleotide variant.
Coding change: c.865G>C on transcript NM_032120.4 (MANE Select); coding-DNA position 865, G replaced by C.
Protein change: p.Glu289Gln; replaces glutamic acid 289 with glutamine.
Molecular consequence: missense variant.
Genome position (GRCh38, 1-based): chr7:92,534,818, G>C. VCF-style: chr7-92534818-G-C. GRCh37 (hg19) VCF-style: chr7-92164132-G-C.
Other names: c.865G>C, p.Glu289Gln (NM_001363366.1); c.340G>C, p.Glu114Gln (NM_001363367.1); short protein forms E114Q, E289Q.
Identifiers: ClinVar variation 4745990 (VCV004745990.1).
Genomic context (GRCh38, chr7:92,534,818, plus strand): 5'-GAGGCAGTTGACAGATTTATGCCTAGGACAACACAACTGCAGGAGCGCAAAAGAAGAAGA[G>C]AAGATGATCGTAAACTTGGAACTTTTCTTCAAACAAACCCAACTGGTAATGAGATTATGA-3'
Protein context (NP_115496.2, residues 279-299): TQLQERKRRR[Glu289Gln]DDRKLGTFLQ

ClinVar aggregate classification (germline): Uncertain significance (1 of 4 stars; one submission).

Submission:

Labcorp Genetics (formerly Invitae), Labcorp
Classification: Uncertain significance. Last evaluated: 2025-09-02. Review status: criteria provided, single submitter. Criteria: Invitae Variant Classification Sherloc (09022015). Collection method: clinical testing. Allele origin: germline.
Comment: This sequence change replaces glutamic acid, which is acidic and polar, with glutamine, which is neutral and polar, at codon 289 of the RBM48 protein (p.Glu289Gln). This variant is not present in population databases (gnomAD no frequency). This variant has not been reported in the literature in individuals affected with RBM48-related conditions. Invitae Evidence Modeling of protein sequence and biophysical properties (such as structural, functional, and spatial information, amino acid conservation, physicochemical variation, residue mobility, and thermodynamic stability) indicates that this missense variant is not expected to disrupt RBM48 protein function with a negative predictive value of 80%. In summary, the available evidence is currently insufficient to determine the role of this variant in disease. Therefore, it has been classified as a Variant of Uncertain Significance.